The following is an entry in ClinVar:

ClinVar aggregate classification (germline): Uncertain significance. Review status: criteria provided, single submitter (1 of 4 stars). 2 submissions from 2 submitters: Uncertain significance (1). 1 of the submissions does not count toward it. Last evaluated 2022-03-04.

Conditions:
Werner syndrome (WRN). Identifiers: Orphanet 902, MedGen C0043119, MONDO:0010196, OMIM 277700.

Allele frequency attached by ClinVar (database versions not stated): gnomAD exomes below 0.00001 and 0.00001; TOPMed below 0.00001; ExAC 0.00002.
gnomAD v4.1: 2 of 1,613,934 alleles (0.00012%); highest among the groups gnomAD compares: South Asian, 0.0022%; no homozygotes.

Submissions (2):

Labcorp Genetics (formerly Invitae), Labcorp
Classification: Uncertain significance for Werner syndrome. Last evaluated: 2022-03-04. Review status: criteria provided, single submitter. Criteria: Invitae Variant Classification Sherloc (09022015). Collection method: clinical testing. Allele origin: germline.
Comment: This sequence change replaces phenylalanine, which is neutral and non-polar, with isoleucine, which is neutral and non-polar, at codon 49 of the WRN protein (p.Phe49Ile). This variant is present in population databases (rs587778749, gnomAD 0.006%). This variant has not been reported in the literature in individuals affected with WRN-related conditions. ClinVar contains an entry for this variant (Variation ID: 135433). Algorithms developed to predict the effect of missense changes on protein structure and function are either unavailable or do not agree on the potential impact of this missense change (SIFT: "Not Available"; PolyPhen-2: "Probably Damaging"; Align-GVGD: "Not Available"). In summary, the available evidence is currently insufficient to determine the role of this variant in disease. Therefore, it has been classified as a Variant of Uncertain Significance.

ITMI
No classification provided. Condition: AllHighlyPenetrant. Last evaluated: 2013-09-19. Review status: no classification provided. Collection method: reference population. Allele origin: germline. Not counted in ClinVar's aggregate classification.
Comment: Please see associated publication for description of ethnicities

Literature cited by the submitters: PubMed 24728327 (cited by ITMI).

NM_000553.6(WRN):c.145T>A (p.Phe49Ile)

Gene: WRN (WRN RecQ like helicase; plus strand). Cytogenetic location: 8p12.
Variant type: single nucleotide variant.
Coding change: c.145T>A on transcript NM_000553.6 (MANE Select); coding-DNA position 145, T replaced by A.
Protein change: p.Phe49Ile; replaces phenylalanine 49 with isoleucine.
Molecular consequence: missense variant.
Genome position (GRCh38, 1-based): chr8:31,059,201, T>A. VCF-style: chr8-31059201-T-A. GRCh37 (hg19) VCF-style: chr8-30916717-T-A.
Other names: short protein forms F49I.
Identifiers: ClinVar variation 135433 (VCV000135433.4), dbSNP rs587778749, ClinGen allele CA162749.